The following is an entry in ClinVar:

ClinVar aggregate classification (germline): Uncertain significance (1 of 4 stars; one submission).

Conditions:
NEBL-related disorder. Also called: NEBL-related condition.

Submission:

PreventionGenetics, part of Exact Sciences
Classification: Uncertain significance for NEBL-related condition. Last evaluated: 2026-07-09. Review status: criteria provided, single submitter. Criteria: ACMG Guidelines, 2015. Collection method: clinical testing. Allele origin: germline.
Comment: The NEBL c.1898C>A variant is predicted to result in the amino acid substitution p.Ala633Glu. To our knowledge, this variant has not been reported in the literature or in a large population database (gnomAD), indicating this variant is rare. At this time, the clinical significance of this variant is uncertain due to the absence of conclusive functional and genetic evidence.

NM_006393.3(NEBL):c.1898C>A (p.Ala633Glu)

Gene: NEBL (nebulette; minus strand). Cytogenetic location: 10p12.31.
Variant type: single nucleotide variant.
Coding change: c.1898C>A on transcript NM_006393.3 (MANE Select); coding-DNA position 1898, C replaced by A.
Protein change: p.Ala633Glu; replaces alanine 633 with glutamic acid.
Molecular consequence: missense variant. On other transcripts: intron variant (9).
Genome position (GRCh38, 1-based): chr10:20,823,272, G>T on the plus strand (C>A on the coding strand, the complement: NEBL is on the minus strand). VCF-style: chr10-20823272-G-T. GRCh37 (hg19) VCF-style: chr10-21112201-G-T.
Other names: c.250-10332C>A (NM_001377326.1, NM_001377327.1, NM_001377328.1); c.358-10332C>A (NM_213569.2, NM_001173484.2, NM_001377322.1); c.301-10332C>A (NM_001377324.1); c.292-10332C>A (NM_001377325.1); c.310-10332C>A (NM_001377323.1); short protein forms A633E.
Identifiers: ClinVar variation 4994574 (VCV004994574.1).